The following is an entry in ClinVar:

ClinVar aggregate classification (germline): Uncertain significance (1 of 4 stars; one submission).

Allele frequency attached by ClinVar (database versions not stated): gnomAD exomes below 0.00001.
gnomAD v4.1: 1 of 1,545,738 alleles (0.000065%); highest among the groups gnomAD compares: Admixed American, 0.0018%; no homozygotes.

Submission:

Labcorp Genetics (formerly Invitae), Labcorp
Classification: Uncertain significance. Last evaluated: 2022-06-14. Review status: criteria provided, single submitter. Criteria: Invitae Variant Classification Sherloc (09022015). Collection method: clinical testing. Allele origin: germline.
Comment: This variant is not present in population databases (gnomAD no frequency). In summary, the available evidence is currently insufficient to determine the role of this variant in disease. Therefore, it has been classified as a Variant of Uncertain Significance. Algorithms developed to predict the effect of missense changes on protein structure and function output the following: SIFT: "Deleterious"; PolyPhen-2: "Benign"; Align-GVGD: "Class C35". The serine amino acid residue is found in multiple mammalian species, which suggests that this missense change does not adversely affect protein function. This variant has not been reported in the literature in individuals affected with TONSL-related conditions. This sequence change replaces arginine, which is basic and polar, with serine, which is neutral and polar, at codon 732 of the TONSL protein (p.Arg732Ser).

NM_013432.5(TONSL):c.2196G>T (p.Arg732Ser)

Genes: TONSL (tonsoku like, DNA repair protein; minus strand), TONSL-AS1 (TONSL antisense RNA 1; plus strand). Cytogenetic location: 8q24.3.
Variant type: single nucleotide variant.
Coding change: c.2196G>T on transcript NM_013432.5 (MANE Select); coding-DNA position 2196, G replaced by T.
Protein change: p.Arg732Ser; replaces arginine 732 with serine.
Molecular consequence: missense variant.
Genome position (GRCh38, 1-based): chr8:144,436,237, C>A on the plus strand (G>T on the coding strand, the complement: TONSL is on the minus strand). VCF-style: chr8-144436237-C-A. GRCh37 (hg19) VCF-style: chr8-145661620-C-A.
Other names: short protein forms R732S.
Identifiers: ClinVar variation 1419174 (VCV001419174.6), dbSNP rs2129643227, ClinGen allele CA372657043.